The following is an entry in ClinVar:

ClinVar aggregate classification (germline): Uncertain significance (1 of 4 stars; one submission).

Conditions:
Cardiomyopathy (CMYO). Also called: Cardiomyopathies. Identifiers: Orphanet 167848, MedGen C0878544, MONDO:0004994, HP:0001638. Inheritance: Various modes of inheritance.

Submission:

Color Diagnostics, LLC DBA Color Health
Classification: Uncertain significance for Cardiomyopathy. Last evaluated: 2024-03-06. Review status: criteria provided, single submitter. Criteria: ACMG Guidelines, 2015. Collection method: clinical testing. Allele origin: germline.
Comment: This missense variant replaces arginine with isoleucine at codon 290 of the RYR2 protein. Computational prediction tool is inconclusive regarding the impact of this variant on protein structure and function (internally defined REVEL score threshold 0.5 < inconclusive < 0.7, PMID: 27666373). Splice site prediction tools suggest that this variant may not impact RNA splicing. To our knowledge, functional studies have not been performed for this variant. This variant has not been reported in individuals affected with cardiovascular disorders in the literature. This variant has not been identified in the general population by the Genome Aggregation Database (gnomAD). The available evidence is insufficient to determine the role of this variant in disease conclusively. Therefore, this variant is classified as a Variant of Uncertain Significance.

NM_001035.3(RYR2):c.869G>T (p.Arg290Ile)

Gene: RYR2 (ryanodine receptor 2; plus strand). Cytogenetic location: 1q43.
Variant type: single nucleotide variant.
Coding change: c.869G>T on transcript NM_001035.3 (MANE Select); coding-DNA position 869, G replaced by T.
Protein change: p.Arg290Ile; replaces arginine 290 with isoleucine.
Molecular consequence: missense variant.
Genome position (GRCh38, 1-based): chr1:237,423,112, G>T. VCF-style: chr1-237423112-G-T. GRCh37 (hg19) VCF-style: chr1-237586412-G-T.
Other names: short protein forms R290I.
Identifiers: ClinVar variation 923606 (VCV000923606.4), dbSNP rs1705760982, ClinGen allele CA345385209.